The following is an entry in ClinVar:

ClinVar aggregate classification (germline): Uncertain significance (1 of 4 stars; one submission).

Allele frequency attached by ClinVar (database versions not stated): gnomAD exomes below 0.00001; ExAC 0.00001; gnomAD 0.00001; TOPMed 0.00001.
gnomAD v4.1: 2 of 1,614,074 alleles (0.00012%); highest among the groups gnomAD compares: African/African-American, 0.0013%; no homozygotes.

Submission:

Labcorp Genetics (formerly Invitae), Labcorp
Classification: Uncertain significance. Last evaluated: 2024-10-15. Review status: criteria provided, single submitter. Criteria: Invitae Variant Classification Sherloc (09022015). Collection method: clinical testing. Allele origin: germline.
Comment: This sequence change replaces isoleucine, which is neutral and non-polar, with valine, which is neutral and non-polar, at codon 398 of the TARS2 protein (p.Ile398Val). This variant is present in population databases (rs778842262, gnomAD 0.007%). This variant has not been reported in the literature in individuals affected with TARS2-related conditions. ClinVar contains an entry for this variant (Variation ID: 2118908). An algorithm developed to predict the effect of missense changes on protein structure and function (PolyPhen-2) suggests that this variant is likely to be tolerated. In summary, the available evidence is currently insufficient to determine the role of this variant in disease. Therefore, it has been classified as a Variant of Uncertain Significance.

NM_025150.5(TARS2):c.1192A>G (p.Ile398Val)

Gene: TARS2 (threonyl-tRNA synthetase 2, mitochondrial; plus strand). Cytogenetic location: 1q21.2.
Variant type: single nucleotide variant.
Coding change: c.1192A>G on transcript NM_025150.5 (MANE Select); coding-DNA position 1192, A replaced by G.
Protein change: p.Ile398Val; replaces isoleucine 398 with valine.
Molecular consequence: missense variant. On other transcripts: non-coding transcript variant (2).
Genome position (GRCh38, 1-based): chr1:150,497,701, A>G. VCF-style: chr1-150497701-A-G. GRCh37 (hg19) VCF-style: chr1-150470177-A-G.
Other names: c.946A>G, p.Ile316Val (NM_001271895.2); c.802A>G, p.Ile268Val (NM_001271896.2); short protein forms I316V, I398V, I268V.
Identifiers: ClinVar variation 2118908 (VCV002118908.4), dbSNP rs778842262, ClinGen allele CA1076936.